The following is an entry in ClinVar:

ClinVar aggregate classification (germline): Uncertain significance. Review status: criteria provided, multiple submitters, no conflicts (2 of 4 stars). 3 submissions from 3 submitters: Uncertain significance (3). Last evaluated 2025-08-19.

Conditions:
Immunodeficiency 35 (IMD35). Also called: TYK2 DEFICIENCY; HIES WITH ATYPICAL MYCOBACTERIOSIS, AUTOSOMAL RECESSIVE; HYPER-IgE SYNDROME WITH ATYPICAL MYCOBACTERIOSIS, AUTOSOMAL RECESSIVE; Susceptibility to infection due to TYK2 deficiency. Identifiers: Orphanet 331226, MedGen C1969086, MONDO:0012682, OMIM 611521.

Allele frequency attached by ClinVar (database versions not stated): gnomAD exomes 0.00009 and 0.00003; TOPMed 0.00003; gnomAD 0.00006; ExAC 0.00008.
gnomAD v4.1: 51 of 1,613,958 alleles (0.0032%); highest among the groups gnomAD compares: East Asian, 0.036%; no homozygotes.

Submissions (3):

Labcorp Genetics (formerly Invitae), Labcorp
Classification: Uncertain significance for Immunodeficiency 35. Last evaluated: 2025-08-19. Review status: criteria provided, single submitter. Criteria: Invitae Variant Classification Sherloc (09022015). Collection method: clinical testing. Allele origin: germline.
Comment: This sequence change replaces arginine, which is basic and polar, with glutamine, which is neutral and polar, at codon 110 of the TYK2 protein (p.Arg110Gln). This variant is present in population databases (rs56090991, gnomAD 0.09%). This variant has not been reported in the literature in individuals affected with TYK2-related conditions. ClinVar contains an entry for this variant (Variation ID: 888603). An algorithm developed to predict the effect of missense changes on protein structure and function (PolyPhen-2) suggests that this variant is likely to be disruptive. In summary, the available evidence is currently insufficient to determine the role of this variant in disease. Therefore, it has been classified as a Variant of Uncertain Significance.

Blueprint Genetics
Classification: Uncertain significance. Last evaluated: 2023-05-26. Review status: criteria provided, single submitter. Criteria: ACMG Guidelines, 2015. Collection method: clinical testing. Allele origin: germline.

Illumina Laboratory Services, Illumina
Classification: Uncertain significance for Immunodeficiency 35. Last evaluated: 2018-02-02. Review status: criteria provided, single submitter. Criteria: ICSL Variant Classification Criteria 13 December 2019. Collection method: clinical testing. Allele origin: germline.

NM_003331.5(TYK2):c.329G>A (p.Arg110Gln)

Gene: TYK2 (tyrosine kinase 2; minus strand). Cytogenetic location: 19p13.2.
Variant type: single nucleotide variant.
Coding change: c.329G>A on transcript NM_003331.5 (MANE Select); coding-DNA position 329, G replaced by A.
Protein change: p.Arg110Gln; replaces arginine 110 with glutamine.
Molecular consequence: missense variant.
Genome position (GRCh38, 1-based): chr19:10,368,191, C>T on the plus strand (G>A on the coding strand, the complement: TYK2 is on the minus strand). VCF-style: chr19-10368191-C-T. GRCh37 (hg19) VCF-style: chr19-10478867-C-T.
Other names: short protein forms R110Q.
Identifiers: ClinVar variation 888603 (VCV000888603.12), dbSNP rs56090991, ClinGen allele CA9193762.
Genomic context (GRCh38, chr19:10,368,191, plus strand): 5'-GTTCCTGGGGGCCCACAACGGTACACAGCCGGTTCCCGAGGATTCATGCCATGCCAGTTC[C>T]GGAAATAAAACCTGCAGGAAGGAGGGACGCAGCTGGGGCTTAGCACAGAGTCAGACCAGC-3'
Protein context (NP_003322.3, residues 100-120): MLYFRIRFYF[Arg110Gln]NWHGMNPREP